The following is an entry in ClinVar:

NM_078470.6(COX15):c.1091C>T (p.Ala364Val)

Gene: COX15 (cytochrome c oxidase assembly factor COX15; minus strand). Cytogenetic location: 10q24.2.
Variant type: single nucleotide variant.
Coding change: c.1091C>T on transcript NM_078470.6 (MANE Select); coding-DNA position 1091, C replaced by T.
Protein change: p.Ala364Val; replaces alanine 364 with valine.
Molecular consequence: missense variant. On other transcripts: 3 prime UTR variant (2), non-coding transcript variant (1).
Genome position (GRCh38, 1-based): chr10:99,716,358, G>A on the plus strand (C>T on the coding strand, the complement: COX15 is on the minus strand). VCF-style: chr10-99716358-G-A. GRCh37 (hg19) VCF-style: chr10-101476115-G-A.
Other names: c.1091C>T, p.Ala364Val (NM_001320974.2, NM_001372024.1, NM_001372027.1 and 1 more transcripts); c.*39C>T (NM_001320975.2, NM_001372028.1); c.554C>T, p.Ala185Val (NM_001320976.2); c.1109C>T, p.Ala370Val (NM_001372025.1); c.1064C>T, p.Ala355Val (NM_001372026.1); short protein forms A185V, A370V, A355V, A364V.
Identifiers: ClinVar variation 1410379 (VCV001410379.5), dbSNP rs762483659, ClinGen allele CA5642092.

ClinVar aggregate classification (germline): Uncertain significance. Review status: criteria provided, multiple submitters, no conflicts (2 of 4 stars). 3 submissions from 3 submitters: Uncertain significance (3). Last evaluated 2022-12-12.

Conditions:
Leigh syndrome (NULS). Also called: Leigh's necrotizing encephalopathy; Leigh's disease; Leigh Syndrome (mtDNA deletion); Leigh's syndrome; LEIGH SYNDROME, NUCLEAR; Leigh Disease. Identifiers: Orphanet 506, MedGen C2931891, MONDO:0009723, OMIM 256000.

Allele frequency attached by ClinVar (database versions not stated): gnomAD 0.00001; gnomAD exomes 0.00002 and 0.00005; ExAC 0.00003; TOPMed 0.00004.
gnomAD v4.1: 32 of 1,610,046 alleles (0.002%); highest among the groups gnomAD compares: South Asian, 0.014%; no homozygotes.

Submissions (3):

Department of Pathology and Laboratory Medicine, Sinai Health System
Classification: Uncertain significance for Leigh syndrome. Last evaluated: 2022-12-12. Review status: criteria provided, single submitter. Criteria: ACMG Guidelines, 2015. Collection method: research. Allele origin: germline.

Blueprint Genetics
Classification: Uncertain significance. Last evaluated: 2022-09-08. Review status: criteria provided, single submitter. Criteria: ACMG Guidelines, 2015. Collection method: clinical testing. Allele origin: germline.

Labcorp Genetics (formerly Invitae), Labcorp
Classification: Uncertain significance. Last evaluated: 2022-07-31. Review status: criteria provided, single submitter. Criteria: Invitae Variant Classification Sherloc (09022015). Collection method: clinical testing. Allele origin: germline.
Comment: This sequence change replaces alanine, which is neutral and non-polar, with valine, which is neutral and non-polar, at codon 364 of the COX15 protein (p.Ala364Val). This variant is present in population databases (rs762483659, gnomAD 0.02%). This variant has not been reported in the literature in individuals affected with COX15-related conditions. ClinVar contains an entry for this variant (Variation ID: 1410379). Algorithms developed to predict the effect of missense changes on protein structure and function are either unavailable or do not agree on the potential impact of this missense change (SIFT: "Not Available"; PolyPhen-2: "Benign"; Align-GVGD: "Not Available"). In summary, the available evidence is currently insufficient to determine the role of this variant in disease. Therefore, it has been classified as a Variant of Uncertain Significance.